The following is an entry in ClinVar:

ClinVar aggregate classification (germline): Pathogenic. Review status: criteria provided, multiple submitters, no conflicts (2 of 4 stars). 5 submissions from 5 submitters: Pathogenic (3). 2 of the submissions do not count toward it. Last evaluated 2024-10-16.

Conditions:
RP1-related disorder. Also called: RP1-related condition.
Retinal dystrophy. Also called: Inherited retinal dystrophy. Identifiers: Orphanet 71862, MedGen C0854723, MeSH D058499, MONDO:0019118, HP:0000556.
Retinitis pigmentosa 1 (RP1). Identifiers: Orphanet 791, MedGen C0220701, MONDO:0008377, OMIM 180100.
Retinitis pigmentosa (RP). Identifiers: Orphanet 791, MedGen C0035334, MeSH D012174, MONDO:0019200, OMIM 268000. Inheritance: Autosomal dominant, autosomal recessive and X linked inheritance.

Submissions (5):

Labcorp Genetics (formerly Invitae), Labcorp
Classification: Pathogenic. Last evaluated: 2024-10-16. Review status: criteria provided, single submitter. Criteria: Invitae Variant Classification Sherloc (09022015). Collection method: clinical testing. Allele origin: germline.
Comment: This sequence change creates a premature translational stop signal (p.Pro1282Leufs*12) in the RP1 gene. While this is not anticipated to result in nonsense mediated decay, it is expected to disrupt the last 875 amino acid(s) of the RP1 protein. This variant is not present in population databases (gnomAD no frequency). This premature translational stop signal has been observed in individuals with autosomal recessive retinitis pigmentosa (PMID: 24265693). ClinVar contains an entry for this variant (Variation ID: 437957). This variant disrupts the C-terminus of the RP1 protein. Many variants that disrupt this region have been reported in individuals with either autosomal dominant or autosomal recessive retinitis pigmentosa (PMID: 11527933, 19933189, 29425069, 30027431, 33681214). Therefore, variants that disrupt this region are expected to be disease-causing. For these reasons, this variant has been classified as Pathogenic.

Blueprint Genetics
Classification: Pathogenic for RP1-related disorders. Last evaluated: 2020-09-29. Review status: criteria provided, single submitter. Criteria: ACMG Guidelines, 2015. Collection method: clinical testing. Allele origin: germline. Affected: yes. Observed: 1 variant allele.

Institute of Human Genetics, Univ. Regensburg, Univ. Regensburg
Classification: Pathogenic for Retinal dystrophy. Last evaluated: 2014-01-01. Review status: criteria provided, single submitter. Criteria: ACMG Guidelines, 2015. Collection method: clinical testing. Allele origin: germline. Affected: yes.

Joint Genome Diagnostic Labs from Nijmegen and Maastricht, Radboudumc and MUMC+
Classification: Pathogenic for Retinitis pigmentosa 1. Last evaluated: 2016-09-01. Review status: no assertion criteria provided. Collection method: clinical testing. Allele origin: unknown. Affected: yes. Observed: 1 variant allele. Not counted in ClinVar's aggregate classification.

NIHR Bioresource Rare Diseases, University of Cambridge
Classification: Pathogenic for Retinitis pigmentosa. Last evaluated: 2015-01-01. Review status: no assertion criteria provided. Collection method: research. Allele origin: unknown. Affected: yes. Observed: 2 variant alleles. Not counted in ClinVar's aggregate classification.

Literature cited by the submitters: PubMed 24265693 (cited by 3 submitters); PubMed 11527933 (cited by Labcorp Genetics (formerly Invitae), Labcorp); PubMed 19933189 (cited by Labcorp Genetics (formerly Invitae), Labcorp); PubMed 29425069 (cited by Labcorp Genetics (formerly Invitae), Labcorp); PubMed 30027431 (cited by Labcorp Genetics (formerly Invitae), Labcorp); PubMed 33681214 (cited by Labcorp Genetics (formerly Invitae), Labcorp); PubMed 32005865 (cited by Institute of Human Genetics, Univ. Regensburg, Univ. Regensburg); PubMed 32581362 (cited by Institute of Human Genetics, Univ. Regensburg, Univ. Regensburg); PubMed 34315337 (cited by Institute of Human Genetics, Univ. Regensburg, Univ. Regensburg); PubMed 28041643 (cited by NIHR Bioresource Rare Diseases, University of Cambridge).

NM_006269.2(RP1):c.3843del (p.Pro1282fs)

Gene: RP1 (RP1 axonemal microtubule associated; plus strand). Cytogenetic location: 8q12.1.
Variant type: Deletion.
Coding change: c.3843del on transcript NM_006269.2 (MANE Select); coding-DNA position 3843, one base deleted (T; older notation c.3843delT).
Protein change: p.Pro1282fs; shifts the reading frame from proline 1282.
Molecular consequence: frameshift variant.
Genome position (GRCh38, 1-based): chr8:54,627,725, T deleted; the last of 7 consecutive T bases (chr8:54,627,719-54,627,725); deleting any one gives the same sequence. VCF-style (leftmost placement, unchanged base first): chr8-54627718-CT-C. GRCh37 (hg19) VCF-style: chr8-55540278-CT-C.
Other names: short protein forms P1282fs.
Identifiers: ClinVar variation 437957 (VCV000437957.12), dbSNP rs769601671, ClinGen allele CA645509462.